The following is an entry in ClinVar:

ClinVar aggregate classification (germline): Uncertain significance (1 of 4 stars; one submission).

Conditions:
Xeroderma pigmentosum, group F (XPF). Also called: ERCC4-Related Xeroderma Pigmentosum; XERODERMA PIGMENTOSUM VI; XP, GROUP F; XERODERMA PIGMENTOSUM, COMPLEMENTATION GROUP F; XERODERMA PIGMENTOSUM, TYPE F; Xeroderma pigmentosum, type 6. Identifiers: MedGen C0268140, MONDO:0010215, OMIM 278760.
Cockayne syndrome. Identifiers: Orphanet 191, MedGen C0009207, MONDO:0016006.
Fanconi anemia complementation group Q. Identifiers: Orphanet 84, MedGen C3808988, MONDO:0014108, OMIM 615272.

Allele frequency attached by ClinVar (database versions not stated): gnomAD exomes 0.00001; gnomAD 0.00003.
gnomAD v4.1: 5 of 1,614,164 alleles (0.00031%); highest among the groups gnomAD compares: Middle Eastern, 0.016%; no homozygotes.

Submission:

Labcorp Genetics (formerly Invitae), Labcorp
Classification: Uncertain significance for Fanconi anemia complementation group Q; Xeroderma pigmentosum, group F; Cockayne syndrome. Last evaluated: 2024-04-15. Review status: criteria provided, single submitter. Criteria: Invitae Variant Classification Sherloc (09022015). Collection method: clinical testing. Allele origin: germline.
Comment: This sequence change replaces lysine, which is basic and polar, with asparagine, which is neutral and polar, at codon 765 of the ERCC4 protein (p.Lys765Asn). This variant is not present in population databases (gnomAD no frequency). This variant has not been reported in the literature in individuals affected with ERCC4-related conditions. ClinVar contains an entry for this variant (Variation ID: 653697). Advanced modeling of protein sequence and biophysical properties (such as structural, functional, and spatial information, amino acid conservation, physicochemical variation, residue mobility, and thermodynamic stability) performed at Invitae indicates that this missense variant is expected to disrupt ERCC4 protein function with a positive predictive value of 80%. In summary, the available evidence is currently insufficient to determine the role of this variant in disease. Therefore, it has been classified as a Variant of Uncertain Significance.

NM_005236.3(ERCC4):c.2295G>T (p.Lys765Asn)

Gene: ERCC4 (ERCC excision repair 4, endonuclease catalytic subunit; plus strand). Cytogenetic location: 16p13.12.
Variant type: single nucleotide variant.
Coding change: c.2295G>T on transcript NM_005236.3 (MANE Select); coding-DNA position 2295, G replaced by T.
Protein change: p.Lys765Asn; replaces lysine 765 with asparagine.
Molecular consequence: missense variant.
Genome position (GRCh38, 1-based): chr16:13,947,891, G>T. VCF-style: chr16-13947891-G-T. GRCh37 (hg19) VCF-style: chr16-14041748-G-T.
Other names: short protein forms K765N.
Identifiers: ClinVar variation 653697 (VCV000653697.8), dbSNP rs1567253853, ClinGen allele CA394822886.